The following is an entry in ClinVar:

NM_002691.4(POLD1):c.2710G>C (p.Ala904Pro)

Gene: POLD1 (DNA polymerase delta 1, catalytic subunit; plus strand). Cytogenetic location: 19q13.33.
Variant type: single nucleotide variant.
Coding change: c.2710G>C on transcript NM_002691.4 (MANE Select); coding-DNA position 2710, G replaced by C.
Protein change: p.Ala904Pro; replaces alanine 904 with proline.
Molecular consequence: missense variant. On other transcripts: non-coding transcript variant (1).
Genome position (GRCh38, 1-based): chr19:50,415,583, G>C. VCF-style: chr19-50415583-G-C. GRCh37 (hg19) VCF-style: chr19-50918840-G-C.
Other names: c.2710G>C, p.Ala904Pro (NM_001256849.1); c.2788G>C, p.Ala930Pro (NM_001308632.1); short protein forms A904P, A930P.
Identifiers: ClinVar variation 1795074 (VCV001795074.2), dbSNP rs1469483693, ClinGen allele CA406985724.

ClinVar aggregate classification (germline): Uncertain significance (1 of 4 stars; one submission).

Conditions:
Hereditary cancer-predisposing syndrome. Also called: Tumor predisposition; Hereditary Cancer Syndrome; Neoplastic Syndromes, Hereditary; Hereditary neoplastic syndrome. Identifiers: Orphanet 140162, MedGen C0027672, MeSH D009386, MONDO:0015356.

Submission:

Ambry Genetics
Classification: Uncertain significance for Hereditary cancer-predisposing syndrome. Last evaluated: 2021-12-19. Review status: criteria provided, single submitter. Criteria: Ambry Variant Classification Scheme 2023. Collection method: clinical testing. Allele origin: germline.
Comment: The p.A904P variant (also known as c.2710G>C), located in coding exon 20 of the POLD1 gene, results from a G to C substitution at nucleotide position 2710. The alanine at codon 904 is replaced by proline, an amino acid with highly similar properties. This amino acid position is conserved. In addition, the in silico prediction for this alteration is inconclusive. Since supporting evidence is limited at this time, the clinical significance of this alteration remains unclear.